The following is an entry in ClinVar:

ClinVar aggregate classification (germline): Benign/Likely benign. Review status: criteria provided, multiple submitters, no conflicts (2 of 4 stars). 14 submissions from 14 submitters: Benign (6); Likely benign (5). 3 of the submissions do not count toward it. Last evaluated 2026-05-01.

Conditions:
Cardiovascular phenotype. Identifiers: MedGen CN230736.
Long QT syndrome (LQTS). Identifiers: MedGen C0023976, MeSH D008133, MONDO:0002442. Disease mechanism: loss of function. Inheritance: Various modes of inheritance.
Cardiac arrhythmia, ankyrin-B-related. Also called: ANKYRIN-B SYNDROME. Identifiers: Orphanet 101016, Orphanet 768, MedGen C1970119, MONDO:0010958, OMIM 600919.

Allele frequency attached by ClinVar (database versions not stated): gnomAD 0.00208 and 0.00205; gnomAD exomes 0.00221; ESP Exome Variant Server 0.00223; ExAC 0.00229; TOPMed 0.00255; 1000 Genomes Project 0.00140; 1000 Genomes Project 30x 0.00141.
gnomAD v4.1: 3,925 of 1,614,054 alleles (0.24%); highest among the groups gnomAD compares: Non-Finnish European, 0.28%; 8 homozygotes.

Submissions (14):

CeGaT Center for Human Genetics Tuebingen
Classification: Likely benign. Last evaluated: 2026-05-01. Review status: criteria provided, single submitter. Criteria: CeGaT Center For Human Genetics Tuebingen Variant Classification Criteria Version 2. Collection method: clinical testing. Allele origin: germline. Affected: yes. Observed: 23 variant alleles.
Comment: ANK2: BP4, BP7, BS1

Molecular Diagnostic Laboratory for Inherited Cardiovascular Disease, Montreal Heart Institute
Classification: Benign. Last evaluated: 2026-03-27. Review status: criteria provided, single submitter. Criteria: ACMG Guidelines, 2015. Collection method: clinical testing. Allele origin: germline. Affected: no.

Labcorp Genetics (formerly Invitae), Labcorp
Classification: Benign for Long QT syndrome. Last evaluated: 2026-02-02. Review status: criteria provided, single submitter. Criteria: Invitae Variant Classification Sherloc (09022015). Collection method: clinical testing. Allele origin: germline.

Blueprint Genetics
Classification: Likely benign. Last evaluated: 2024-11-21. Review status: criteria provided, single submitter. Criteria: ACMG Guidelines, 2015. Collection method: clinical testing. Allele origin: germline.

ARUP Laboratories, Molecular Genetics and Genomics, ARUP Laboratories
Classification: Benign. Last evaluated: 2023-11-22. Review status: criteria provided, single submitter. Criteria: ARUP Molecular Germline Variant Investigation Process 2024. Collection method: clinical testing. Allele origin: germline.

Genome-Nilou Lab
Classification: Benign for Cardiac arrhythmia, ankyrin-B-related. Last evaluated: 2021-12-05. Review status: criteria provided, single submitter. Criteria: ACMG Guidelines, 2015. Collection method: clinical testing. Allele origin: germline. Affected: no.

Illumina Laboratory Services, Illumina
Classification: Likely benign for Cardiac arrhythmia, ankyrin-B-related. Last evaluated: 2018-01-12. Review status: criteria provided, single submitter. Criteria: ICSL Variant Classification Criteria 13 December 2019. Collection method: clinical testing. Allele origin: germline.
Comment: This variant was observed in the ICSL laboratory as part of a predisposition screen in an ostensibly healthy population. It had not been previously curated by ICSL or reported in the Human Gene Mutation Database (HGMD: prior to June 1st, 2018), and was therefore a candidate for classification through an automated scoring system. Utilizing variant allele frequency, disease prevalence and penetrance estimates, and inheritance mode, an automated score was calculated to assess if this variant is too frequent to cause the disease. Based on the score and internal cut-off values, a variant classified as likely benign is not then subjected to further curation. The score for this variant resulted in a classification of likely benign for this disease.

Women's Health and Genetics/Laboratory Corporation of America, LabCorp
Classification: Benign. Last evaluated: 2017-06-26. Review status: criteria provided, single submitter. Criteria: LabCorp Variant Classification Summary - May 2015. Collection method: clinical testing. Allele origin: germline.
Comment: Variant summary: The ANK2 c.6648C>G (p.Gly2216Gly) variant involves the alteration of a non-conserved nucleotide, resulting in a synonymous change. One in silico tool predicts a damaging outcome for this variant. 3/5 splice prediction tools predict loss/weakening effect on a cryptic splicing acceptor site. ESE finder predicts that this variant may affect ESE sites. However, these predictions have yet to be confirmed by functional studies. This variant was found in 276/120418 control chromosomes (2 homozygotes) at a frequency of 0.002292, which is approximately 229 times the estimated maximal expected allele frequency of a pathogenic ANK2 variant (0.00001), suggesting this variant is likely a benign polymorphism. In addition, multiple clinical diagnostic laboratories/reputable databases classified this variant as benign/likely benign. The variant of interest has not, to our knowledge, been reported in affected individuals via publications; nor evaluated for functional impact by in vivo/vitro studies. Taken together, this variant is classified as benign.

Ambry Genetics
Classification: Likely benign for Cardiovascular phenotype. Last evaluated: 2016-12-16. Review status: criteria provided, single submitter. Criteria: Ambry Variant Classification Scheme 2023. Collection method: clinical testing. Allele origin: germline.

GeneDx
Classification: Benign. Last evaluated: 2015-03-03. Review status: criteria provided, single submitter. Criteria: GeneDx Variant Classification Process June 2021. Collection method: clinical testing. Allele origin: germline. Affected: yes.

Breakthrough Genomics
Classification: Likely benign. Review status: criteria provided, single submitter. Criteria: ACMG Guidelines, 2015. Collection method: not provided. Allele origin: germline. Inheritance: Autosomal dominant inheritance. Affected: yes.

Clinical Genetics, Academic Medical Center
Classification: Benign. Review status: no assertion criteria provided. Collection method: clinical testing. Allele origin: germline. Affected: yes. Study: VKGL Data-share Consensus. Not counted in ClinVar's aggregate classification.

Genome Diagnostics Laboratory, University Medical Center Utrecht
Classification: Likely benign. Review status: no assertion criteria provided. Collection method: clinical testing. Allele origin: germline. Affected: yes. Study: VKGL Data-share Consensus. Not counted in ClinVar's aggregate classification.

Joint Genome Diagnostic Labs from Nijmegen and Maastricht, Radboudumc and MUMC+
Classification: Benign. Review status: no assertion criteria provided. Collection method: clinical testing. Allele origin: germline. Affected: yes. Study: VKGL Data-share Consensus. Not counted in ClinVar's aggregate classification.

NM_001148.6(ANK2):c.6648C>G (p.Gly2216=)

Gene: ANK2 (ankyrin 2; plus strand). Cytogenetic location: 4q26.
Variant type: single nucleotide variant.
Coding change: c.6648C>G on transcript NM_001148.6 (MANE Select); coding-DNA position 6648, C replaced by G.
Protein change: p.Gly2216=; no amino-acid change (glycine 2216 retained).
Molecular consequence: synonymous variant. On other transcripts: intron variant (68).
Genome position (GRCh38, 1-based): chr4:113,355,266, C>G. VCF-style: chr4-113355266-C-G. GRCh37 (hg19) VCF-style: chr4-114276422-C-G.
Other names: c.6648C>G (NM_001148.5); c.6414C>G, p.Gly2138= (NM_001386142.1); c.3048C>G, p.Gly1016= (NM_001386166.1); c.6789C>G, p.Gly2263= (NM_001386174.1); c.6765C>G, p.Gly2255= (NM_001386175.1); c.4411+5017C>G (NM_001386186.2, NM_001386148.2); c.4213+5017C>G (NM_001354269.3); c.4291+5017C>G (NM_001386187.2); and 36 more.
Identifiers: ClinVar variation 238585 (VCV000238585.61), dbSNP rs140926982, ClinGen allele CA3051451.